The following is an entry in ClinVar:

NM_001367805.3(KIF23):c.2240T>C (p.Ile747Thr)

Gene: KIF23 (kinesin family member 23; plus strand). Cytogenetic location: 15q23.
Variant type: single nucleotide variant.
Coding change: c.2240T>C on transcript NM_001367805.3 (MANE Select); coding-DNA position 2240, T replaced by C.
Protein change: p.Ile747Thr; replaces isoleucine 747 with threonine.
Molecular consequence: missense variant. On other transcripts: non-coding transcript variant (1), intron variant (1).
Genome position (GRCh38, 1-based): chr15:69,440,898, T>C. VCF-style: chr15-69440898-T-C. GRCh37 (hg19) VCF-style: chr15-69733237-T-C.
Other names: c.1868T>C, p.Ile623Thr (NM_001281301.2); c.2198T>C, p.Ile733Thr (NM_001367804.2, NM_138555.4); c.2067+411T>C (NM_004856.7); short protein forms I733T, I747T, I623T.
Identifiers: ClinVar variation 3683799 (VCV003683799.2).

ClinVar aggregate classification (germline): Uncertain significance (1 of 4 stars; one submission).

gnomAD v4.1: 5 of 1,613,992 alleles (0.00031%); highest among the groups gnomAD compares: Non-Finnish European, 0.00034%; no homozygotes.

Submission:

Labcorp Genetics (formerly Invitae), Labcorp
Classification: Uncertain significance. Last evaluated: 2024-12-14. Review status: criteria provided, single submitter. Criteria: Invitae Variant Classification Sherloc (09022015). Collection method: clinical testing. Allele origin: germline.
Comment: This sequence change replaces isoleucine, which is neutral and non-polar, with threonine, which is neutral and polar, at codon 733 of the KIF23 protein (p.Ile733Thr). This variant is not present in population databases (gnomAD no frequency). This variant has not been reported in the literature in individuals affected with KIF23-related conditions. An algorithm developed to predict the effect of missense changes on protein structure and function (PolyPhen-2) suggests that this variant is likely to be tolerated. In summary, the available evidence is currently insufficient to determine the role of this variant in disease. Therefore, it has been classified as a Variant of Uncertain Significance.